The following is an entry in ClinVar:

NM_001206927.2(DNAH8):c.5069del (p.Asn1690fs)

Gene: DNAH8 (dynein axonemal heavy chain 8; plus strand). Cytogenetic location: 6p21.2.
Variant type: Deletion.
Coding change: c.5069del on transcript NM_001206927.2 (MANE Select); coding-DNA position 5069, one base deleted (A; older notation c.5069delA).
Protein change: p.Asn1690fs; shifts the reading frame from asparagine 1690.
Molecular consequence: frameshift variant.
Genome position (GRCh38, 1-based): chr6:38,848,671, A deleted; the last of 8 consecutive A bases (chr6:38,848,664-38,848,671); deleting any one gives the same sequence. VCF-style (leftmost placement, unchanged base first): chr6-38848663-TA-T. GRCh37 (hg19) VCF-style: chr6-38816439-TA-T.
Other names: c.4418del, p.Asn1473fs (NM_001371.4); short protein forms N1473fs, N1690fs.
Identifiers: ClinVar variation 3621785 (VCV003621785.2).
Genomic context (GRCh38, chr6:38,848,663, plus strand): 5'-CTGAATCTTCTTTGAAATGTGATTTTTTCCGTTCTTACCTTTTAGATACAATGCTCCATT[TA>T]AAAAAAATATCCAGAATTGGGTGTATAAATTGTCCACTTCCTCAGATATAATTGAAGAGT-3'

ClinVar aggregate classification (germline): Pathogenic (1 of 4 stars; one submission).

Conditions:
Primary ciliary dyskinesia. Also called: Ciliary dyskinesia. Identifiers: Orphanet 244, MedGen C0008780, MONDO:0016575, HP:0012265.

Submission:

Labcorp Genetics (formerly Invitae), Labcorp
Classification: Pathogenic for Primary ciliary dyskinesia. Last evaluated: 2024-03-05. Review status: criteria provided, single submitter. Criteria: Invitae Variant Classification Sherloc (09022015). Collection method: clinical testing. Allele origin: germline.
Comment: This sequence change creates a premature translational stop signal (p.Asn1690Ilefs*15) in the DNAH8 gene. It is expected to result in an absent or disrupted protein product. Loss-of-function variants in DNAH8 are known to be pathogenic (PMID: 24307375, 32619401, 32681648). The frequency data for this variant in the population databases is considered unreliable, as metrics indicate poor data quality at this position in the gnomAD database. This variant has not been reported in the literature in individuals affected with DNAH8-related conditions. For these reasons, this variant has been classified as Pathogenic.

Literature cited by the submitters: PubMed 24307375; PubMed 32619401; PubMed 32681648.